The following is an entry in ClinVar:

ClinVar aggregate classification (germline): Conflicting classifications of pathogenicity. Review status: criteria provided, conflicting classifications (1 of 4 stars). 4 submissions from 4 submitters: Uncertain significance (1); Likely benign (3). Last evaluated 2025-11-17.

Conditions:
Cortical dysplasia-focal epilepsy syndrome (PTHSL1). Also called: Pitt-Hopkins-like syndrome 1. Identifiers: Orphanet 163681, Orphanet 221150, MedGen C2750246, MONDO:0012400, OMIM 610042.

Allele frequency attached by ClinVar (database versions not stated): TOPMed 0.00005; gnomAD 0.00007; gnomAD exomes 0.00010 and 0.00026; ExAC 0.00040.
gnomAD v4.1: 162 of 1,613,470 alleles (0.01%); highest among the groups gnomAD compares: Admixed American, 0.013%; no homozygotes.

Submissions (4):

Labcorp Genetics (formerly Invitae), Labcorp
Classification: Likely benign for Cortical dysplasia-focal epilepsy syndrome. Last evaluated: 2025-11-17. Review status: criteria provided, single submitter. Criteria: Invitae Variant Classification Sherloc (09022015). Collection method: clinical testing. Allele origin: germline.

CeGaT Center for Human Genetics Tuebingen
Classification: Likely benign. Last evaluated: 2024-11-01. Review status: criteria provided, single submitter. Criteria: CeGaT Center For Human Genetics Tuebingen Variant Classification Criteria Version 2. Collection method: clinical testing. Allele origin: germline. Affected: yes. Observed: 1 variant allele.
Comment: CNTNAP2: BP4, BP7

GeneDx
Classification: Likely benign. Last evaluated: 2020-04-01. Review status: criteria provided, single submitter. Criteria: GeneDx Variant Classification Process June 2021. Collection method: clinical testing. Allele origin: germline. Affected: yes.

Illumina Laboratory Services, Illumina
Classification: Uncertain significance for Cortical dysplasia-focal epilepsy syndrome. Last evaluated: 2018-01-12. Review status: criteria provided, single submitter. Criteria: ICSL Variant Classification Criteria 13 December 2019. Collection method: clinical testing. Allele origin: germline.

NM_014141.6(CNTNAP2):c.645C>T (p.Asn215=)

Gene: CNTNAP2 (contactin associated protein 2; plus strand). Cytogenetic location: 7q35.
Variant type: single nucleotide variant.
Coding change: c.645C>T on transcript NM_014141.6 (MANE Select); coding-DNA position 645, C replaced by T.
Protein change: p.Asn215=; no amino-acid change (asparagine 215 retained).
Molecular consequence: synonymous variant.
Genome position (GRCh38, 1-based): chr7:147,108,241, C>T. VCF-style: chr7-147108241-C-T. GRCh37 (hg19) VCF-style: chr7-146805333-C-T.
Identifiers: ClinVar variation 359179 (VCV000359179.33), dbSNP rs776956365, ClinGen allele CA4545856.